The following is an entry in ClinVar:

NM_000548.5(TSC2):c.2355G>A (p.Gln785=)

Gene: TSC2 (TSC complex subunit 2; plus strand). Cytogenetic location: 16p13.3.
Variant type: single nucleotide variant.
Coding change: c.2355G>A on transcript NM_000548.5 (MANE Select); coding-DNA position 2355, G replaced by A.
Protein change: p.Gln785=; no amino-acid change (glutamine 785 retained).
Molecular consequence: synonymous variant.
Genome position (GRCh38, 1-based): chr16:2,072,983, G>A. VCF-style: chr16-2072983-G-A. GRCh37 (hg19) VCF-style: chr16-2122984-G-A.
Other names: c.2355G>A (NM_000548.4); c.2355G>A, p.Gln785= (NM_001077183.3, NM_001114382.3, NM_001363528.2 and 3 more transcripts); c.2244G>A, p.Gln748= (NM_001318827.2); c.2208G>A, p.Gln736= (NM_001318829.2); c.1755G>A, p.Gln585= (NM_001318831.2); c.2388G>A, p.Gln796= (NM_001318832.2).
Identifiers: ClinVar variation 835435 (VCV000835435.23), dbSNP rs2088708544, ClinGen allele CA492952751.

ClinVar aggregate classification (germline): Conflicting classifications of pathogenicity. Review status: criteria provided, conflicting classifications (1 of 4 stars). 8 submissions from 8 submitters: Pathogenic (4); Likely pathogenic (1); Uncertain significance (3). Last evaluated 2026-02-24.

Conditions:
Tuberous sclerosis 2 (TSC2). Identifiers: Orphanet 805, MedGen C1860707, MONDO:0013199, OMIM 613254.
Tuberous sclerosis syndrome (TSC). Also called: Tuberous Sclerosis Complex; Tuberous sclerosis. Identifiers: Orphanet 805, MedGen C0041341, MONDO:0001734.
TSC2-related disorder. Also called: TSC2-Related Disorders; TSC2-related condition.

Submissions (8):

PreventionGenetics, part of Exact Sciences
Classification: Pathogenic for TSC2-related condition. Last evaluated: 2026-02-24. Review status: criteria provided, single submitter. Criteria: ACMG Guidelines, 2015. Collection method: clinical testing. Allele origin: germline.
Comment: The TSC2 c.2355G>A variant is not predicted to result in an amino acid change (p.=). This variant is the final nucleotide in exon 21 and is predicted to impact splicing (SpliceAI, Jaganathan et al. 2019. PubMed ID: 30661751); however, the use of computer prediction programs is not equivalent to functional evidence. This variant has been reported in individuals with a diagnosis of or undergoing genetic testing for tuberous sclerosis complex (Bąbol-Pokora et al. 2021. PubMed ID: 34403804; Ng et al. 2022. PubMed ID: 35918040; Fokkema et al. 2011. PubMed ID: 21520333; internal data, PreventionGenetics). This variant has segregated with affected family members (Fokkema et al. 2011. PubMed ID: 21520333) and has been reported as de novo (internal data, PreventionGenetics); however, this variant was also reported in an apparently asymptomatic family member. This variant has not been reported in a large population database (gnomAD), indicating this variant is rare. This variant has conflicting interpretations ranging from pathogenic and likely pathogenic to uncertain in ClinVar (Variation ID: 835435). Given the evidence, this variant is interpreted as pathogenic.

GeneDx
Classification: Pathogenic. Last evaluated: 2026-02-10. Review status: criteria provided, single submitter. Criteria: GeneDx Variant Classification Process June 2021. Collection method: clinical testing. Allele origin: germline.
Comment: Alters the last nucleotide of the exon and is predicted to damage the splice donor site but the effect on protein function is unclear; Not observed at significant frequency in large population cohorts (gnomAD); This variant is associated with the following publications: (PMID: 34403804, 35918040)

Women's Health and Genetics/Laboratory Corporation of America, LabCorp
Classification: Pathogenic for Tuberous sclerosis syndrome. Last evaluated: 2024-11-26. Review status: criteria provided, single submitter. Criteria: LabCorp Variant Classification Summary - May 2015. Collection method: clinical testing. Allele origin: germline.
Comment: Variant summary: TSC2 c.2355G>A (p.Gln785Gln) alters a conserved nucleotide located close to a canonical splice site and therefore could affect mRNA splicing, leading to a significantly altered protein sequence. Several computational tools predict a significant impact on normal splicing: Four predict the variant weakens the canonical 5' splicing donor site. However, these predictions have yet to be confirmed by functional studies. The variant was absent in 250650 control chromosomes. c.2355G>A has been reported in the literature in multiple individuals affected with Tuberous Sclerosis Complex (e.g. Babol-Pokora_2021, Ng_2022). It has also been reported among multiple probands and/or affected family members in the LOVD database. These data indicate that the variant is very likely to be associated with disease. To our knowledge, no experimental evidence demonstrating an impact on protein function has been reported. The following publications have been ascertained in the context of this evaluation (PMID: 34403804, 35918040, LOVD database). ClinVar contains an entry for this variant (Variation ID: 835435). Based on the evidence outlined above, the variant was classified as pathogenic.

Labcorp Genetics (formerly Invitae), Labcorp
Classification: Pathogenic for Tuberous sclerosis 2. Last evaluated: 2024-03-11. Review status: criteria provided, single submitter. Criteria: Invitae Variant Classification Sherloc (09022015). Collection method: clinical testing. Allele origin: germline.
Comment: This sequence change affects codon 785 of the TSC2 mRNA. It is a 'silent' change, meaning that it does not change the encoded amino acid sequence of the TSC2 protein. This variant also falls at the last nucleotide of exon 21, which is part of the consensus splice site for this exon. This variant is not present in population databases (gnomAD no frequency). This variant has been observed in individual(s) with tuberous sclerosis complex (PMID: 21520333, 34403804, 35918040). It has also been observed to segregate with disease in related individuals. ClinVar contains an entry for this variant (Variation ID: 835435). Variants that disrupt the consensus splice site are a relatively common cause of aberrant splicing (PMID: 17576681, 9536098). Algorithms developed to predict the effect of sequence changes on RNA splicing suggest that this variant may disrupt the consensus splice site. For these reasons, this variant has been classified as Pathogenic.

3billion
Classification: Uncertain significance for Tuberous sclerosis 2. Last evaluated: 2023-06-12. Review status: criteria provided, single submitter. Criteria: ACMG Guidelines, 2015. Collection method: clinical testing. Allele origin: germline. Affected: yes.
Comment: The variant is not observed in the gnomAD v2.1.1 dataset. Predicted Consequence/Location: Synonymous variant predicted to alter splicing (see below). In silico tools predict the variant to alter splicing and produce an abnormal transcript (SpliceAI: 0.87). The variant has been reported to be associated with TSC2-related disorder (PMID: 34403804). However, the evidence of pathogenicity is insufficient at this time. Therefore, this variant is classified as VUS according to the recommendation of ACMG/AMP guideline.

Genome-Nilou Lab
Classification: Uncertain significance for Tuberous sclerosis 2. Last evaluated: 2021-11-07. Review status: criteria provided, single submitter. Criteria: ACMG Guidelines, 2015. Collection method: clinical testing. Allele origin: germline. Affected: no.

Quest Diagnostics Nichols Institute San Juan Capistrano
Classification: Likely pathogenic. Last evaluated: 2021-08-13. Review status: criteria provided, single submitter. Criteria: Quest Diagnostics criteria. Collection method: clinical testing. Allele origin: unknown.
Comment: This synonymous variant has not been reported in large, multi-ethnic general populations. In the published literature, the variant has been reported in individuals with tuberous sclerosis complex (TSC) (PMID: 34403804 (2021), 35918040 (2022)). Internal laboratory data indicates this variant appears to segregate with disease in at least one family. Analysis of this variant using software algorithms for the prediction of the effect of nucleotide changes on splicing yielded predictions that this variant may affect proper TSC2 mRNA splicing. Based on the available information, this variant is classified as likely pathogenic.

Mayo Clinic Laboratories, Mayo Clinic
Classification: Uncertain significance. Last evaluated: 2020-12-08. Review status: criteria provided, single submitter. Criteria: ACMG Guidelines, 2015. Collection method: clinical testing. Allele origin: germline. Observed: 1 variant allele.

Literature cited by the submitters: PubMed 34403804 (cited by 4 submitters); PubMed 35918040 (cited by 3 submitters); PubMed 21520333 (cited by Labcorp Genetics (formerly Invitae), Labcorp); PubMed 17576681 (cited by Labcorp Genetics (formerly Invitae), Labcorp); PubMed 9536098 (cited by Labcorp Genetics (formerly Invitae), Labcorp).